The following is an entry in ClinVar:

NM_138420.4(AHNAK2):c.4404C>A (p.Ala1468=)

Gene: AHNAK2 (AHNAK nucleoprotein 2; minus strand). Cytogenetic location: 14q32.33.
Variant type: single nucleotide variant.
Coding change: c.4404C>A on transcript NM_138420.4 (MANE Select); coding-DNA position 4404, C replaced by A.
Protein change: p.Ala1468=; no amino-acid change (alanine 1468 retained).
Molecular consequence: synonymous variant.
Genome position (GRCh38, 1-based): chr14:104,951,047, G>T on the plus strand (C>A on the coding strand, the complement: AHNAK2 is on the minus strand). VCF-style: chr14-104951047-G-T. GRCh37 (hg19) VCF-style: chr14-105417384-G-T.
Other names: c.4104C>A, p.Ala1368= (NM_001350929.2).
Identifiers: ClinVar variation 3770777 (VCV003770777.13).

ClinVar aggregate classification (germline): Likely benign (1 of 4 stars; one submission).

gnomAD v4.1: 206 of 1,062,468 alleles (0.019%); highest among the groups gnomAD compares: Middle Eastern, 0.27%; 78 homozygotes.

Submission:

CeGaT Center for Human Genetics Tuebingen
Classification: Likely benign. Last evaluated: 2025-02-01. Review status: criteria provided, single submitter. Criteria: CeGaT Center For Human Genetics Tuebingen Variant Classification Criteria Version 2. Collection method: clinical testing. Allele origin: germline. Affected: yes. Observed: 1 variant allele.
Comment: AHNAK2: BP4, BP7, BS2